The following is an entry in ClinVar:

NM_006231.4(POLE):c.3037_3038insA (p.Trp1013Ter)

Gene: POLE (DNA polymerase epsilon, catalytic subunit; minus strand). Cytogenetic location: 12q24.33.
Variant type: Insertion.
Coding change: c.3037_3038insA on transcript NM_006231.4 (MANE Select); coding-DNA positions 3037 to 3038, A inserted.
Protein change: p.Trp1013Ter; replaces tryptophan 1013 with a stop codon.
Molecular consequence: nonsense.
Genome position: GRCh38 VCF-style: chr12-132660991-C-CT. GRCh37 (hg19) VCF-style: chr12-133237577-C-CT.
Other names: short protein forms W1013*.
Identifiers: ClinVar variation 4141130 (VCV004141130.1).

ClinVar aggregate classification (germline): Uncertain significance (1 of 4 stars; one submission).

Conditions:
Hereditary cancer-predisposing syndrome. Also called: Hereditary neoplastic syndrome; Neoplastic Syndromes, Hereditary; Tumor predisposition; Hereditary Cancer Syndrome. Identifiers: Orphanet 140162, MedGen C0027672, MeSH D009386, MONDO:0015356.

Submission:

Ambry Genetics
Classification: Uncertain significance for Hereditary cancer-predisposing syndrome. Last evaluated: 2025-07-15. Review status: criteria provided, single submitter. Criteria: Ambry Variant Classification Scheme 2023. Collection method: clinical testing. Allele origin: germline.
Comment: The c.3037_3038insA variant, located in coding exon 25 of the POLE gene, results from an insertion of one nucleotide at position 3037, causing a translational frameshift with a predicted alternate stop codon (p.W1013*). This alteration is expected to result in loss of function by premature protein truncation or nonsense-mediated mRNA decay. Although biallelic loss of function of POLE has been associated with autosomal recessive POLE deficiency, haploinsufficiency of POLE has not been established as a mechanism of disease for POLE-related polymerase proofreading-associated polyposis (PPAP) and POLE-related CMMRD-like syndrome. Based on the supporting evidence, this variant is expected to be causative of POLE deficiency when present along with a second pathogenic variant on the other allele; however, its clinical significance for PPAP and POLE-related CMMRD-like syndrome is unclear.